The following is an entry in ClinVar:

ClinVar aggregate classification (germline): Uncertain significance. Review status: criteria provided, multiple submitters, no conflicts (2 of 4 stars). 2 submissions from 2 submitters: Uncertain significance (2). Last evaluated 2024-11-22.

Conditions:
Fanconi anemia (FA). Also called: Fanconi's anemia. Identifiers: Orphanet 84, MedGen C0015625, MeSH D005199, MONDO:0019391.
Inborn genetic diseases. Identifiers: MedGen C0950123, MeSH D030342.

Submissions (2):

Ambry Genetics
Classification: Uncertain significance for Inborn genetic diseases. Last evaluated: 2024-11-22. Review status: criteria provided, single submitter. Criteria: Ambry Variant Classification Scheme 2023. Collection method: clinical testing. Allele origin: germline.
Comment: The p.G536V variant (also known as c.1607G>T), located in coding exon 10 of the FANCM gene, results from a G to T substitution at nucleotide position 1607. The glycine at codon 536 is replaced by valine, an amino acid with dissimilar properties. This amino acid position is conserved. In addition, the in silico prediction for this alteration is inconclusive. Based on the available evidence, the clinical significance of this variant remains unclear.

Labcorp Genetics (formerly Invitae), Labcorp
Classification: Uncertain significance for Fanconi anemia. Last evaluated: 2023-12-15. Review status: criteria provided, single submitter. Criteria: Invitae Variant Classification Sherloc (09022015). Collection method: clinical testing. Allele origin: germline.
Comment: This sequence change replaces glycine, which is neutral and non-polar, with valine, which is neutral and non-polar, at codon 536 of the FANCM protein (p.Gly536Val). This variant is not present in population databases (gnomAD no frequency). This variant has not been reported in the literature in individuals affected with FANCM-related conditions. An algorithm developed to predict the effect of missense changes on protein structure and function (PolyPhen-2) suggests that this variant is likely to be tolerated. In summary, the available evidence is currently insufficient to determine the role of this variant in disease. Therefore, it has been classified as a Variant of Uncertain Significance.

NM_020937.4(FANCM):c.1607G>T (p.Gly536Val)

Gene: FANCM (FA complementation group M; plus strand). Cytogenetic location: 14q21.2.
Variant type: single nucleotide variant.
Coding change: c.1607G>T on transcript NM_020937.4 (MANE Select); coding-DNA position 1607, G replaced by T.
Protein change: p.Gly536Val; replaces glycine 536 with valine.
Molecular consequence: missense variant.
Genome position (GRCh38, 1-based): chr14:45,164,384, G>T. VCF-style: chr14-45164384-G-T. GRCh37 (hg19) VCF-style: chr14-45633587-G-T.
Other names: c.1529G>T, p.Gly510Val (NM_001308133.2); c.1607G>T, p.Gly536Val (NM_001308134.2); short protein forms G536V, G510V.
Identifiers: ClinVar variation 2753239 (VCV002753239.4), dbSNP rs745533091, ClinGen allele CA389593501.